The following is an entry in ClinVar:

NM_172201.2(KCNE2):c.22A>G (p.Thr8Ala)

Genes: KCNE2 (potassium voltage-gated channel subfamily E regulatory subunit 2; plus strand), LOC105372791 (uncharacterized LOC105372791; minus strand). Cytogenetic location: 21q22.11.
Variant type: single nucleotide variant.
Coding change: c.22A>G on transcript NM_172201.2 (MANE Select); coding-DNA position 22, A replaced by G.
Protein change: p.Thr8Ala; replaces threonine 8 with alanine.
Molecular consequence: missense variant.
Genome position (GRCh38, 1-based): chr21:34,370,500, A>G. VCF-style: chr21-34370500-A-G. GRCh37 (hg19) VCF-style: chr21-35742799-A-G.
Other names: p.T8A:ACA>GCA; c.22A>G (LRG_291t1); short protein forms T8A.
Identifiers: ClinVar variation 67615 (VCV000067615.60), dbSNP rs2234916, ClinGen allele CA199953.

ClinVar aggregate classification (germline): Conflicting classifications of pathogenicity. Review status: criteria provided, conflicting classifications (1 of 4 stars). 11 submissions from 11 submitters: Uncertain significance (1); Benign (7); Likely benign (2). 1 of the submissions does not count toward it. Last evaluated 2026-02-02.

Conditions:
Cardiovascular phenotype. Identifiers: MedGen CN230736.
Long QT syndrome, drug-associated.
Long QT syndrome (LQTS). Identifiers: MedGen C0023976, MeSH D008133, MONDO:0002442. Disease mechanism: loss of function. Inheritance: Various modes of inheritance.
Long QT syndrome 6 (LQT6). Identifiers: Orphanet 101016, Orphanet 768, MedGen C3150953, MONDO:0013370, OMIM 613693.

Allele frequency attached by ClinVar (database versions not stated): 1000 Genomes Project 30x 0.00109; 1000 Genomes Project 0.00140; TOPMed 0.00367; gnomAD exomes 0.00372 and 0.00563; ExAC 0.00380; gnomAD 0.00381 and 0.00387; ESP Exome Variant Server 0.00492.
gnomAD v4.1: 8,816 of 1,614,180 alleles (0.55%); highest among the groups gnomAD compares: Middle Eastern, 0.89%; 42 homozygotes.

Submissions (11):

Labcorp Genetics (formerly Invitae), Labcorp
Classification: Benign for Long QT syndrome 6. Last evaluated: 2026-02-02. Review status: criteria provided, single submitter. Criteria: Invitae Variant Classification Sherloc (09022015). Collection method: clinical testing. Allele origin: germline.

CeGaT Center for Human Genetics Tuebingen
Classification: Likely benign. Last evaluated: 2025-05-01. Review status: criteria provided, single submitter. Criteria: CeGaT Center For Human Genetics Tuebingen Variant Classification Criteria Version 2. Collection method: clinical testing. Allele origin: germline. Affected: yes. Observed: 5 variant alleles.
Comment: KCNE2: BS2

ARUP Laboratories, Molecular Genetics and Genomics, ARUP Laboratories
Classification: Benign. Last evaluated: 2024-10-29. Review status: criteria provided, single submitter. Criteria: ARUP Molecular Germline Variant Investigation Process 2024. Collection method: clinical testing. Allele origin: germline.

Mayo Clinic Laboratories, Mayo Clinic
Classification: Benign. Last evaluated: 2024-04-03. Review status: criteria provided, single submitter. Criteria: ACMG Guidelines, 2015. Collection method: clinical testing. Allele origin: germline. Observed: 10 variant alleles.
Comment: BS1, BS2

Dept of Medical Biology, Uskudar University
Classification: Benign for Long QT syndrome. Last evaluated: 2024-01-08. Review status: criteria provided, single submitter. Criteria: Dept of Medical Biology Variant Classification. Collection method: research. Allele origin: maternal. Affected: yes. Observed: 1 variant allele.
Comment: Criteria: PP3, BS1, BS2

Illumina Laboratory Services, Illumina
Classification: Uncertain significance for Long QT syndrome 6. Last evaluated: 2017-04-27. Review status: criteria provided, single submitter. Criteria: ICSL Variant Classification Criteria 13 December 2019. Collection method: clinical testing. Allele origin: germline.
Comment: This variant was observed as part of a predisposition screen in an ostensibly healthy population. A literature search was performed for the gene, cDNA change, and amino acid change (where applicable). Publications were found based on this search. However, the evidence from the literature, in combination with allele frequency data from public databases where available, was not sufficient to rule this variant in or out of causing disease. Therefore, this variant is classified as a variant of unknown significance.

Ambry Genetics
Classification: Benign for Cardiovascular phenotype. Last evaluated: 2015-06-25. Review status: criteria provided, single submitter. Criteria: Ambry Variant Classification Scheme 2023. Collection method: clinical testing. Allele origin: germline.

Biesecker Lab/Clinical Genomics Section, National Institutes of Health
Classification: Benign for Long QT syndrome, drug-associated. Last evaluated: 2013-06-24. Review status: criteria provided, single submitter. Criteria: Ng et al. (Circ Cardiovasc Genet. 2013). Collection method: research. Allele origin: unknown. Observed: 5 variant alleles. Study: ClinSeq.
Comment: The study set was not selected for affection status in relation to any cancer. Pathogenicity categories were based on literature curation. See Pubmed ID:23861362 for details.

Medical sequencing

GeneDx
Classification: Benign. Last evaluated: 2011-11-08. Review status: criteria provided, single submitter. Criteria: GeneDx Variant Classification (06012015). Collection method: clinical testing. Allele origin: germline. Affected: yes.
Comment: This variant is considered likely benign or benign based on one or more of the following criteria: it is a conservative change, it occurs at a poorly conserved position in the protein, it is predicted to be benign by multiple in silico algorithms, and/or has population frequency not consistent with disease.

Molecular Diagnostic Laboratory for Inherited Cardiovascular Disease, Montreal Heart Institute
Classification: Likely benign for Long QT syndrome. Review status: criteria provided, single submitter. Criteria: ACMG Guidelines, 2015. Collection method: clinical testing. Allele origin: germline. Affected: yes.

Cardiovascular Biomedical Research Unit, Royal Brompton & Harefield NHS Foundation Trust
No classification provided. Review status: no classification provided. Collection method: literature only. Allele origin: germline. Not counted in ClinVar's aggregate classification.
Comment: This variant has been reported in the following publications (PMID:10984545;PMID:11468227;PMID:12402336;PMID:14661677;PMID:14760488;PMID:15599693;PMID:17161064;PMID:17210839).

Literature cited by the submitters: PubMed 28794082 (cited by Mayo Clinic Laboratories, Mayo Clinic); PubMed 10984545 (cited by Illumina Laboratory Services, Illumina and Cardiovascular Biomedical Research Unit, Royal Brompton & Harefield NHS Foundation Trust); PubMed 11468227 (cited by Illumina Laboratory Services, Illumina and Cardiovascular Biomedical Research Unit, Royal Brompton & Harefield NHS Foundation Trust); PubMed 14760488 (cited by Illumina Laboratory Services, Illumina and Cardiovascular Biomedical Research Unit, Royal Brompton & Harefield NHS Foundation Trust); PubMed 10219239 (cited by Illumina Laboratory Services, Illumina); PubMed 12402336 (cited by Cardiovascular Biomedical Research Unit, Royal Brompton & Harefield NHS Foundation Trust); PubMed 14661677 (cited by Cardiovascular Biomedical Research Unit, Royal Brompton & Harefield NHS Foundation Trust); PubMed 15599693 (cited by Cardiovascular Biomedical Research Unit, Royal Brompton & Harefield NHS Foundation Trust); PubMed 17161064 (cited by Cardiovascular Biomedical Research Unit, Royal Brompton & Harefield NHS Foundation Trust); PubMed 17210839 (cited by Cardiovascular Biomedical Research Unit, Royal Brompton & Harefield NHS Foundation Trust); PubMed 22581653 (cited by Cardiovascular Biomedical Research Unit, Royal Brompton & Harefield NHS Foundation Trust).